The following is an entry in ClinVar:

ClinVar aggregate classification (germline): Uncertain significance (1 of 4 stars; one submission).

Conditions:
Early-infantile DEE. Also called: Ohtahara syndrome; Early infantile epileptic encephalopathy with suppression bursts; Early infantile epileptic encephalopathy. Identifiers: Orphanet 1934, MedGen C0393706, MONDO:0800491.

Submission:

Labcorp Genetics (formerly Invitae), Labcorp
Classification: Uncertain significance for Early-infantile DEE. Last evaluated: 2024-12-22. Review status: criteria provided, single submitter. Criteria: Invitae Variant Classification Sherloc (09022015). Collection method: clinical testing. Allele origin: germline.
Comment: This sequence change replaces phenylalanine, which is neutral and non-polar, with leucine, which is neutral and non-polar, at codon 1530 of the SCN1A protein (p.Phe1530Leu). This variant is not present in population databases (gnomAD no frequency). This variant has not been reported in the literature in individuals affected with SCN1A-related conditions. ClinVar contains an entry for this variant (Variation ID: 2857930). Invitae Evidence Modeling of protein sequence and biophysical properties (such as structural, functional, and spatial information, amino acid conservation, physicochemical variation, residue mobility, and thermodynamic stability) indicates that this missense variant is not expected to disrupt SCN1A protein function with a negative predictive value of 95%. In summary, the available evidence is currently insufficient to determine the role of this variant in disease. Therefore, it has been classified as a Variant of Uncertain Significance.

NM_001165963.4(SCN1A):c.4590T>G (p.Phe1530Leu)

Genes: SCN1A (sodium voltage-gated channel alpha subunit 1; minus strand), LOC102724058 (uncharacterized LOC102724058; plus strand). Cytogenetic location: 2q24.3.
Variant type: single nucleotide variant.
Coding change: c.4590T>G on transcript NM_001165963.4 (MANE Select); coding-DNA position 4590, T replaced by G.
Protein change: p.Phe1530Leu; replaces phenylalanine 1530 with leucine.
Molecular consequence: missense variant. On other transcripts: non-coding transcript variant (1).
Genome position (GRCh38, 1-based): chr2:165,994,408, A>C on the plus strand (T>G on the coding strand, the complement: SCN1A is on the minus strand). VCF-style: chr2-165994408-A-C. GRCh37 (hg19) VCF-style: chr2-166850918-A-C.
Other names: c.4506T>G, p.Phe1502Leu (NM_001165964.3, NM_001353957.2, NM_001353958.2); c.4590T>G, p.Phe1530Leu (NM_001202435.3, NM_001353948.2); c.4557T>G, p.Phe1519Leu (NM_001353949.2, NM_001353950.2, NM_001353951.2 and 2 more transcripts); c.4554T>G, p.Phe1518Leu (NM_001353954.2, NM_001353955.2); c.4503T>G, p.Phe1501Leu (NM_001353960.2); c.2148T>G, p.Phe716Leu (NM_001353961.2); short protein forms F1502L, F1518L, F716L, F1530L, F1501L, F1519L.
Identifiers: ClinVar variation 2857930 (VCV002857930.3), dbSNP rs2468361926, ClinGen allele CA349072365.
Genomic context (GRCh38, chr2:165,994,408, plus strand): 5'-GAGAATCATGATGCTTATGTCAAAAACTTGTCTGGTTACGAAGTCAAAGACCATTCCTTG[A>C]AATTTGTTCTGTAGAGAAATAGAAATGCTTTTAACAACAAAGGAGTTTTCTCATGTGCAT-3'
Protein context (NP_001159435.1, residues 1520-1540): QKPIPRPGNK[Phe1530Leu]QGMVFDFVTR